The following is an entry in ClinVar:

ClinVar aggregate classification (germline): Uncertain significance (1 of 4 stars; one submission).

Submission:

Dasa
Classification: Uncertain significance. Last evaluated: 2024-11-25. Review status: criteria provided, single submitter. Criteria: DASA Assertion Criteria. Collection method: clinical testing. Allele origin: germline.
Comment: NM_000287.4(PEX6):c.831_836del (p.Leu277_Ala278del) is an in-frame deletion predicted to remove amino acids from leucine at protein position 277 through alanine at protein position 278 without shifting the reading frame. This variant is absent from population databases. The currently available literature and clinical evidence are not sufficient to establish a definitive association between this variant and the reported condition. Therefore, this variant is classified as a variant of uncertain significance.

NM_000287.4(PEX6):c.831_836del (p.Leu277_Ala278del)

Gene: PEX6 (peroxisomal biogenesis factor 6; minus strand). Cytogenetic location: 6p21.1.
Variant type: Deletion.
Coding change: c.831_836del on transcript NM_000287.4 (MANE Select); coding-DNA positions 831 to 836, 6 bases deleted (GGCTTT; older notation c.831_836delGGCTTT).
Protein change: p.Leu277_Ala278del.
Molecular consequence: inframe deletion. On other transcripts: non-coding transcript variant (1), intron variant (1).
Genome position (GRCh38, 1-based): chr6:42,978,315-42,978,320, AAAGCC deleted on the plus strand (GGCTTT on the coding strand, the reverse complement: PEX6 is on the minus strand); deleting any 6 consecutive bases within chr6:42,978,315-42,978,324 gives the same sequence; the c. name uses the placement nearest the transcript's 3' end. VCF-style (leftmost placement, unchanged base first): chr6-42978314-AAAAGCC-A. GRCh37 (hg19) VCF-style: chr6-42946052-AAAAGCC-A.
Other names: c.618+213_618+218del (NM_001316313.2).
Identifiers: ClinVar variation 4884084 (VCV004884084.2).